The following is an entry in ClinVar:

ClinVar aggregate classification (germline): Uncertain significance (1 of 4 stars; one submission).

Conditions:
Von Hippel-Lindau syndrome (VHLS). Also called: Von Hippel-Lindau; von Hippel–Lindau syndrome; VHL syndrome. Identifiers: Orphanet 892, MedGen C0019562, MONDO:0008667, OMIM 193300. Disease mechanism: loss of function.
Chuvash polycythemia. Also called: POLYCYTHEMIA, VHL-DEPENDENT. Identifiers: Orphanet 238557, MedGen C1837915, MONDO:0009892, OMIM 263400.

Allele frequency attached by ClinVar (database versions not stated): gnomAD exomes below 0.00001.
gnomAD v4.1: 1 of 1,596,510 alleles (0.000063%); highest among the groups gnomAD compares: South Asian, 0.0011%; no homozygotes.

Submission:

Labcorp Genetics (formerly Invitae), Labcorp
Classification: Uncertain significance for Von Hippel-Lindau syndrome; Chuvash polycythemia. Last evaluated: 2021-09-12. Review status: criteria provided, single submitter. Criteria: Invitae Variant Classification Sherloc (09022015). Collection method: clinical testing. Allele origin: germline.
Comment: In summary, the available evidence is currently insufficient to determine the role of this variant in disease. Therefore, it has been classified as a Variant of Uncertain Significance. Algorithms developed to predict the effect of missense changes on protein structure and function output the following: SIFT: "Tolerated"; PolyPhen-2: "Benign"; Align-GVGD: "Class C0". The leucine amino acid residue is found in multiple mammalian species, suggesting that this missense change does not adversely affect protein function. These predictions have not been confirmed by published functional studies and their clinical significance is uncertain. This variant has not been reported in the literature in individuals with VHL-related conditions. This variant is not present in population databases (ExAC no frequency). This sequence change replaces arginine with leucine at codon 60 of the VHL protein (p.Arg60Leu). The arginine residue is moderately conserved and there is a moderate physicochemical difference between arginine and leucine.

NM_000551.4(VHL):c.179G>T (p.Arg60Leu)

Gene: VHL (von Hippel-Lindau tumor suppressor; plus strand). Cytogenetic location: 3p25.3.
Variant type: single nucleotide variant.
Coding change: c.179G>T on transcript NM_000551.4 (MANE Select); coding-DNA position 179, G replaced by T.
Protein change: p.Arg60Leu; replaces arginine 60 with leucine.
Molecular consequence: missense variant.
Genome position (GRCh38, 1-based): chr3:10,142,026, G>T. VCF-style: chr3-10142026-G-T. GRCh37 (hg19) VCF-style: chr3-10183710-G-T.
Other names: c.179G>T, p.Arg60Leu (NM_001354723.2, NM_198156.3); short protein forms R60L.
Identifiers: ClinVar variation 1495090 (VCV001495090.8), dbSNP rs1696126647, ClinGen allele CA351748673.